The following is an entry in ClinVar:

ClinVar aggregate classification (germline): Uncertain significance (1 of 4 stars; one submission).

Conditions:
Diffuse cerebral and cerebellar atrophy - intractable seizures - progressive microcephaly syndrome. Also called: Microcephaly, progressive, with seizures and cerebral and cerebellar atrophy. Identifiers: Orphanet 404437, MedGen C4014239, MONDO:0014335, OMIM 615760.

gnomAD v4.1: 1 of 1,614,122 alleles (0.000062%); highest among the groups gnomAD compares: Non-Finnish European, 0.000085%; no homozygotes.

Submission:

Labcorp Genetics (formerly Invitae), Labcorp
Classification: Uncertain significance for Diffuse cerebral and cerebellar atrophy - intractable seizures - progressive microcephaly syndrome. Last evaluated: 2025-07-14. Review status: criteria provided, single submitter. Criteria: Invitae Variant Classification Sherloc (09022015). Collection method: clinical testing. Allele origin: germline.
Comment: This sequence change replaces aspartic acid, which is acidic and polar, with tyrosine, which is neutral and polar, at codon 739 of the QARS protein (p.Asp739Tyr). This variant is not present in population databases (gnomAD no frequency). This variant has not been reported in the literature in individuals affected with QARS-related conditions. ClinVar contains an entry for this variant (Variation ID: 566720). Invitae Evidence Modeling of protein sequence and biophysical properties (such as structural, functional, and spatial information, amino acid conservation, physicochemical variation, residue mobility, and thermodynamic stability) has been performed for this missense variant. However, the output from this modeling did not meet the statistical confidence thresholds required to predict the impact of this variant on QARS protein function. In summary, the available evidence is currently insufficient to determine the role of this variant in disease. Therefore, it has been classified as a Variant of Uncertain Significance.

NM_005051.3(QARS1):c.2215G>T (p.Asp739Tyr)

Gene: QARS1 (glutaminyl-tRNA synthetase 1; minus strand). Cytogenetic location: 3p21.31.
Variant type: single nucleotide variant.
Coding change: c.2215G>T on transcript NM_005051.3 (MANE Select); coding-DNA position 2215, G replaced by T.
Protein change: p.Asp739Tyr; replaces aspartic acid 739 with tyrosine.
Molecular consequence: missense variant. On other transcripts: non-coding transcript variant (1).
Genome position (GRCh38, 1-based): chr3:49,098,054, C>A on the plus strand (G>T on the coding strand, the complement: QARS1 is on the minus strand). VCF-style: chr3-49098054-C-A. GRCh37 (hg19) VCF-style: chr3-49135487-C-A.
Other names: c.2182G>T, p.Asp728Tyr (NM_001272073.2); short protein forms D739Y, D728Y.
Identifiers: ClinVar variation 566720 (VCV000566720.6), dbSNP rs749055007, ClinGen allele CA352697005.